The following is an entry in ClinVar:

NM_003183.6(ADAM17):c.773T>C (p.Val258Ala)

Gene: ADAM17 (ADAM metallopeptidase domain 17; minus strand). Cytogenetic location: 2p25.1.
Variant type: single nucleotide variant.
Coding change: c.773T>C on transcript NM_003183.6 (MANE Select); coding-DNA position 773, T replaced by C.
Protein change: p.Val258Ala; replaces valine 258 with alanine.
Molecular consequence: missense variant.
Genome position (GRCh38, 1-based): chr2:9,523,319, A>G on the plus strand (T>C on the coding strand, the complement: ADAM17 is on the minus strand). VCF-style: chr2-9523319-A-G. GRCh37 (hg19) VCF-style: chr2-9663448-A-G.
Other names: c.773T>C (NM_003183.4); short protein forms V258A.
Identifiers: ClinVar variation 841335 (VCV000841335.9), dbSNP rs994263495, ClinGen allele CA42383951.
Genomic context (GRCh38, chr2:9,523,319, plus strand): 5'-TGTATTCCATAGCCTTTAAAACCTGCATTATCCCATGAAGTGTTCCGATAGATGTCATCA[A>G]CTCTGTCAATTAGCTCTATCTGTGTGTATTTAAAAAAGAAAAAAGACATTATGTAACTCT-3'
Protein context (NP_003174.3, residues 248-268): TNYLIELIDR[Val258Ala]DDIYRNTSWD

ClinVar aggregate classification (germline): Uncertain significance. Review status: criteria provided, multiple submitters, no conflicts (2 of 4 stars). 3 submissions from 3 submitters: Uncertain significance (3). Last evaluated 2026-01-22.

Conditions:
Inborn genetic diseases. Identifiers: MedGen C0950123, MeSH D030342.
Inflammatory skin and bowel disease, neonatal, 1. Identifiers: Orphanet 294023, MedGen C3280501, MONDO:0013693, OMIM 614328.

Allele frequency attached by ClinVar (database versions not stated): gnomAD exomes below 0.00001 and 0.00001; gnomAD 0.00001; TOPMed 0.00003.
gnomAD v4.1: 17 of 1,612,494 alleles (0.0011%); highest among the groups gnomAD compares: Non-Finnish European, 0.0012%; no homozygotes.

Submissions (3):

Women's Health and Genetics/Laboratory Corporation of America, LabCorp
Classification: Uncertain significance. Last evaluated: 2026-01-22. Review status: criteria provided, single submitter. Criteria: LabCorp Variant Classification Summary - May 2015. Collection method: clinical testing. Allele origin: germline.

Ambry Genetics
Classification: Uncertain significance for Inborn genetic diseases. Last evaluated: 2025-01-19. Review status: criteria provided, single submitter. Criteria: Ambry Variant Classification Scheme 2023. Collection method: clinical testing. Allele origin: germline.

Labcorp Genetics (formerly Invitae), Labcorp
Classification: Uncertain significance for Inflammatory skin and bowel disease, neonatal, 1. Last evaluated: 2024-02-24. Review status: criteria provided, single submitter. Criteria: Invitae Variant Classification Sherloc (09022015). Collection method: clinical testing. Allele origin: germline.
Comment: This sequence change replaces valine, which is neutral and non-polar, with alanine, which is neutral and non-polar, at codon 258 of the ADAM17 protein (p.Val258Ala). This variant is present in population databases (no rsID available, gnomAD 0.002%). This variant has not been reported in the literature in individuals affected with ADAM17-related conditions. ClinVar contains an entry for this variant (Variation ID: 841335). An algorithm developed to predict the effect of missense changes on protein structure and function (PolyPhen-2) suggests that this variant is likely to be disruptive. In summary, the available evidence is currently insufficient to determine the role of this variant in disease. Therefore, it has been classified as a Variant of Uncertain Significance.